The following is an entry in ClinVar:

NM_006922.4(SCN3A):c.3001_3002delinsCA (p.Met1001Gln)

Gene: SCN3A (sodium voltage-gated channel alpha subunit 3; minus strand). Cytogenetic location: 2q24.3.
Variant type: Indel.
Coding change: c.3001_3002delinsCA on transcript NM_006922.4 (MANE Select); coding-DNA positions 3001 to 3002, AT replaced by CA.
Protein change: p.Met1001Gln; replaces methionine 1001 with glutamine.
Molecular consequence: missense variant.
Genome position (GRCh38, 1-based): chr2:165,128,022-165,128,023, AT replaced by TG on the plus strand (AT replaced by CA on the coding strand, the reverse complement: SCN3A is on the minus strand). VCF-style: chr2-165128022-AT-TG. GRCh37 (hg19) VCF-style: chr2-165984532-AT-TG.
Other names: c.2854_2855delinsCA, p.Met952Gln (NM_001081676.2, NM_001081677.2); short protein forms M1001Q, M952Q.
Identifiers: ClinVar variation 2446645 (VCV002446645.1), dbSNP rs2468237246, ClinGen allele CA2580064213.

ClinVar aggregate classification (germline): Uncertain significance (1 of 4 stars; one submission).

Submission:

GeneDx
Classification: Uncertain significance. Last evaluated: 2022-09-29. Review status: criteria provided, single submitter. Criteria: GeneDx Variant Classification Process June 2021. Collection method: clinical testing. Allele origin: germline. Affected: yes.
Comment: Not observed at significant frequency in large population cohorts (gnomAD); In silico analysis supports a deleterious effect on protein structure/function; Has not been previously published as pathogenic or benign to our knowledge